The following is an entry in ClinVar:

NM_001909.5(CTSD):c.705-3T>G

Gene: CTSD (cathepsin D; minus strand). Cytogenetic location: 11p15.5.
Variant type: single nucleotide variant.
Coding change: c.705-3T>G on transcript NM_001909.5 (MANE Select); 3 bases into the intron before coding-DNA position 705, T replaced by G.
Molecular consequence: intron variant.
Genome position (GRCh38, 1-based): chr11:1,755,031, A>C on the plus strand (T>G on the coding strand, the complement: CTSD is on the minus strand). VCF-style: chr11-1755031-A-C. GRCh37 (hg19) VCF-style: chr11-1776261-A-C.
Identifiers: ClinVar variation 1307081 (VCV001307081.2), dbSNP rs112817417, ClinGen allele CA2573053464.

ClinVar aggregate classification (germline): Uncertain significance (1 of 4 stars; one submission).

Submission:

GeneDx
Classification: Uncertain significance. Last evaluated: 2019-07-16. Review status: criteria provided, single submitter. Criteria: GeneDx Variant Classification Process June 2021. Collection method: clinical testing. Allele origin: germline. Affected: yes.
Comment: Not observed in large population cohorts (Lek et al., 2016); Has not been previously published as pathogenic or benign to our knowledge; In silico analysis, which includes splice predictors and evolutionary conservation, suggests this variant may impact gene splicing. In the absence of RNA/functional studies, the actual effect of this sequence change is unknown.